The following is an entry in ClinVar:

NM_152443.3(RDH12):c.103G>C (p.Val35Leu)

Genes: RDH12 (retinol dehydrogenase 12; plus strand), GPHN (gephyrin; plus strand). Cytogenetic location: 14q24.1.
Variant type: single nucleotide variant.
Coding change: c.103G>C on transcript NM_152443.3 (MANE Select); coding-DNA position 103, G replaced by C.
Protein change: p.Val35Leu; replaces valine 35 with leucine.
Molecular consequence: missense variant.
Genome position (GRCh38, 1-based): chr14:67,724,507, G>C. VCF-style: chr14-67724507-G-C. GRCh37 (hg19) VCF-style: chr14-68191224-G-C.
Other names: short protein forms V35L.
Identifiers: ClinVar variation 1922079 (VCV001922079.5), dbSNP rs781191237, ClinGen allele CA7238603.

ClinVar aggregate classification (germline): Uncertain significance (1 of 4 stars; one submission).

Conditions:
Leber congenital amaurosis 13 (LCA13). Identifiers: MedGen C2675186, MONDO:0012990, OMIM 612712.

Allele frequency attached by ClinVar (database versions not stated): TOPMed below 0.00001; ExAC 0.00001.
gnomAD v4.1: 2 of 1,605,860 alleles (0.00012%); highest among the groups gnomAD compares: Admixed American, 0.0017%; no homozygotes.

Submission:

Labcorp Genetics (formerly Invitae), Labcorp
Classification: Uncertain significance for Leber congenital amaurosis 13. Last evaluated: 2022-07-04. Review status: criteria provided, single submitter. Criteria: Invitae Variant Classification Sherloc (09022015). Collection method: clinical testing. Allele origin: germline.
Comment: This sequence change replaces valine, which is neutral and non-polar, with leucine, which is neutral and non-polar, at codon 35 of the RDH12 protein (p.Val35Leu). This variant is present in population databases (rs781191237, gnomAD 0.003%). In summary, the available evidence is currently insufficient to determine the role of this variant in disease. Therefore, it has been classified as a Variant of Uncertain Significance. Algorithms developed to predict the effect of missense changes on protein structure and function (SIFT, PolyPhen-2, Align-GVGD) all suggest that this variant is likely to be tolerated. This variant has not been reported in the literature in individuals affected with RDH12-related conditions.